The following is an entry in ClinVar:

NM_006431.3(CCT2):c.701A>G (p.Asn234Ser)

Gene: CCT2 (chaperonin containing TCP1 subunit 2; plus strand). Cytogenetic location: 12q15.
Variant type: single nucleotide variant.
Coding change: c.701A>G on transcript NM_006431.3 (MANE Select); coding-DNA position 701, A replaced by G.
Protein change: p.Asn234Ser; replaces asparagine 234 with serine.
Molecular consequence: missense variant.
Genome position (GRCh38, 1-based): chr12:69,592,110, A>G. VCF-style: chr12-69592110-A-G. GRCh37 (hg19) VCF-style: chr12-69985890-A-G.
Other names: c.560A>G, p.Asn187Ser (NM_001198842.2); short protein forms N234S, N187S.
Identifiers: ClinVar variation 2173964 (VCV002173964.4), dbSNP rs887998770, ClinGen allele CA239119357.

ClinVar aggregate classification (germline): Uncertain significance (1 of 4 stars; one submission).

Allele frequency attached by ClinVar (database versions not stated): gnomAD exomes 0.00001; gnomAD 0.00003; TOPMed 0.00011.
gnomAD v4.1: 14 of 1,601,718 alleles (0.00087%); highest among the groups gnomAD compares: Admixed American, 0.0083%; no homozygotes.

Submission:

Labcorp Genetics (formerly Invitae), Labcorp
Classification: Uncertain significance. Last evaluated: 2024-12-05. Review status: criteria provided, single submitter. Criteria: Invitae Variant Classification Sherloc (09022015). Collection method: clinical testing. Allele origin: germline.
Comment: This sequence change replaces asparagine, which is neutral and polar, with serine, which is neutral and polar, at codon 234 of the CCT2 protein (p.Asn234Ser). This variant is present in population databases (no rsID available, gnomAD 0.008%). This variant has not been reported in the literature in individuals affected with CCT2-related conditions. ClinVar contains an entry for this variant (Variation ID: 2173964). An algorithm developed to predict the effect of missense changes on protein structure and function (PolyPhen-2) suggests that this variant is likely to be tolerated. In summary, the available evidence is currently insufficient to determine the role of this variant in disease. Therefore, it has been classified as a Variant of Uncertain Significance.